The following is an entry in ClinVar:

ClinVar aggregate classification (germline): Pathogenic (1 of 4 stars; one submission).

Conditions:
Familial adenomatous polyposis 1 (FAP1). Also called: FAMILIAL ADENOMATOUS POLYPOSIS 1, ATTENUATED; POLYPOSIS, ADENOMATOUS INTESTINAL. Identifiers: MedGen C2713442, MONDO:0021056, OMIM 175100. Disease mechanism: loss of function.

Submission:

Myriad Genetics, Inc.
Classification: Pathogenic for Familial adenomatous polyposis 1. Last evaluated: 2025-06-03. Review status: criteria provided, single submitter. Criteria: Myriad Autosomal Dominant, Autosomal Recessive and X-Linked Classification Criteria (2023). Collection method: clinical testing. Allele origin: unknown.
Comment: This variant is considered pathogenic. This variant creates a termination codon and is predicted to result in premature protein truncation.

NM_000038.6(APC):c.188_190del (p.Ser63_Gly64delinsTer)

Gene: APC (APC regulator of Wnt signaling pathway; plus strand). Cytogenetic location: 5q22.2.
Variant type: Deletion.
Coding change: c.188_190del on transcript NM_000038.6 (MANE Select); coding-DNA positions 188 to 190, 3 bases deleted (CTG; older notation c.188_190delCTG).
Protein change: p.Ser63_Gly64delinsTer.
Molecular consequence: nonsense. On other transcripts: 5 prime UTR variant (4), non-coding transcript variant (2).
Genome position (GRCh38, 1-based): chr5:112,766,378-112,766,380, CTG deleted. VCF-style (leftmost placement, unchanged base first): chr5-112766377-TCTG-T. GRCh37 (hg19) VCF-style: chr5-112102074-TCTG-T.
Other names: c.188_190del, p.Ser63_Gly64delinsTer (NM_001127510.3, NM_001354895.2, NM_001354896.2 and 16 more transcripts); c.218_220del, p.Ser73_Gly74delinsTer (NM_001127511.3, NM_001354897.2, NM_001354902.2 and 1 more transcripts); c.113_115del, p.Ser38_Gly39delinsTer (NM_001354898.2, NM_001354904.2, NM_001407451.1); c.11_13del, p.Ser4_Gly5delinsTer (NM_001354900.2, NM_001354901.2, NM_001354905.2 and 1 more transcripts); c.-848_-846del (NM_001354906.2, NM_001407470.1, NM_001407471.1 and 1 more transcripts).
Identifiers: ClinVar variation 4071403 (VCV004071403.1).
Genomic context (GRCh38, chr5:112,766,377, plus strand): 5'-TTTTAACAGGAAGTACTTAAACAACTACAAGGAAGTATTGAAGATGAAGCTATGGCTTCT[TCTG>T]GACAGATTGATTTATTAGAGCGTCTTAAAGGTAGATTTTAAAAAGGTGTTTTAAAATAAT-3'